The following is an entry in ClinVar:

ClinVar aggregate classification (germline): Likely pathogenic. Review status: criteria provided, single submitter (1 of 4 stars). 2 submissions from 2 submitters: Likely pathogenic (1). 1 of the submissions does not count toward it. Last evaluated 2018-10-15.

Conditions:
Developmental and epileptic encephalopathy, 65. Also called: EPILEPTIC ENCEPHALOPATHY, EARLY INFANTILE, 65. Identifiers: MedGen C4693925, MONDO:0033374, OMIM 618008.

Submissions (2):

SIB Swiss Institute of Bioinformatics
Classification: Likely pathogenic for Developmental and epileptic encephalopathy, 65. Last evaluated: 2018-10-15. Review status: criteria provided, single submitter. Criteria: ACMG Guidelines, 2015. Collection method: curation. Allele origin: unknown.
Comment: This variant is interpreted as Likely Pathogenic, for Epileptic encephalopathy, early infantile, 65, autosomal dominant. The following ACMG Tag(s) were applied: PM2 => Absent from controls (or at extremely low frequency if recessive) in Exome Sequencing Project, 1000 Genomes Project, or Exome Aggregation Consortium. PP3 => Multiple lines of computational evidence support a deleterious effect on the gene or gene product. PM1 => Located in a mutational hot spot and/or critical and well-established functional domain (e.g., active site of an enzyme) without benign variation (PubMed 29534297). PS2 => De novo (paternity and maternity confirmed) (PubMed 29534297).

OMIM
Classification: Pathogenic for DEVELOPMENTAL AND EPILEPTIC ENCEPHALOPATHY 65. Last evaluated: 2020-11-17. Review status: no assertion criteria provided. Collection method: literature only. Allele origin: germline. Not counted in ClinVar's aggregate classification.

Literature cited by the submitters: PubMed 29534297 (cited by SIB Swiss Institute of Bioinformatics and OMIM).

NM_001037333.3(CYFIP2):c.260G>T (p.Arg87Leu)

Gene: CYFIP2 (cytoplasmic FMR1 interacting protein 2; plus strand). Cytogenetic location: 5q33.3.
Variant type: single nucleotide variant.
Coding change: c.260G>T on transcript NM_001037333.3 (MANE Select); coding-DNA position 260, G replaced by T.
Protein change: p.Arg87Leu; replaces arginine 87 with leucine.
Molecular consequence: missense variant. On other transcripts: intron variant (1).
Genome position (GRCh38, 1-based): chr5:157,294,835, G>T. VCF-style: chr5-157294835-G-T. GRCh37 (hg19) VCF-style: chr5-156721844-G-T.
Other names: c.260G>T, p.Arg87Leu (NM_001291722.2, NM_014376.4); c.208-1838G>T (NM_001291721.2); short protein forms R87L.
Identifiers: ClinVar variation 545427 (VCV000545427.3), dbSNP rs1554108163, ClinGen allele CA361965785.
Genomic context (GRCh38, chr5:157,294,835, plus strand): 5'-CATTTCAGAATGAGATGCTGGAGGAAGGACATGAGTATGCGGTCATGCTGTACACCTGGC[G>T]CAGCTGTTCCCGGGCCATTCCCCAGGTGAGACTGTCCTTGTTGTGTGTCTCTTTCCCCTC-3'
Protein context (NP_001032410.1, residues 77-97): HEYAVMLYTW[Arg87Leu]SCSRAIPQVK